The following is an entry in ClinVar:

ClinVar aggregate classification (germline): Uncertain significance. Review status: criteria provided, multiple submitters, no conflicts (2 of 4 stars). 2 submissions from 2 submitters: Uncertain significance (2). Last evaluated 2022-05-27.

Allele frequency attached by ClinVar (database versions not stated): ExAC 0.00001; gnomAD exomes 0.00001; TOPMed 0.00003; gnomAD 0.00004 and 0.00005.

Submissions (2):

Labcorp Genetics (formerly Invitae), Labcorp
Classification: Uncertain significance. Last evaluated: 2022-05-27. Review status: criteria provided, single submitter. Criteria: Invitae Variant Classification Sherloc (09022015). Collection method: clinical testing. Allele origin: germline.
Comment: This sequence change affects the initiator methionine of the C19orf70 mRNA. The next in-frame methionine is located at codon 9. This variant is present in population databases (rs777200341, gnomAD 0.01%). This variant has not been reported in the literature in individuals affected with C19orf70-related conditions. Experimental studies and prediction algorithms are not available or were not evaluated, and the functional significance of this variant is currently unknown. In summary, the available evidence is currently insufficient to determine the role of this variant in disease. Therefore, it has been classified as a Variant of Uncertain Significance.

GeneDx
Classification: Uncertain significance. Last evaluated: 2022-01-21. Review status: criteria provided, single submitter. Criteria: GeneDx Variant Classification Process June 2021. Collection method: clinical testing. Allele origin: germline. Affected: yes.
Comment: Initiation codon variant in a gene for which loss-of-function is a known mechanism of disease; Has not been previously published as pathogenic or benign to our knowledge

NM_205767.3(MICOS13):c.1A>G (p.Met1Val)

Genes: MICOS13 (mitochondrial contact site and cristae organizing system subunit 13; minus strand), LOC130063260 (ATAC-STARR-seq lymphoblastoid active region 13809; plus strand). Cytogenetic location: 19p13.3.
Variant type: single nucleotide variant.
Coding change: c.1A>G on transcript NM_205767.3 (MANE Select); coding-DNA position 1, A replaced by G.
Protein change: p.Met1Val; changes the start codon (methionine 1).
Molecular consequence: missense variant, initiator codon variant. On other transcripts: 5 prime UTR variant (1).
Genome position (GRCh38, 1-based): chr19:5,680,486, T>C on the plus strand (A>G on the coding strand, the complement: MICOS13 is on the minus strand). VCF-style: chr19-5680486-T-C. GRCh37 (hg19) VCF-style: chr19-5680497-T-C.
Other names: c.-130A>G (NM_001308240.2); short protein forms M1V.
Identifiers: ClinVar variation 1698103 (VCV001698103.5), dbSNP rs777200341, ClinGen allele CA9113416.